The following is an entry in ClinVar:

ClinVar aggregate classification (germline): Uncertain significance (1 of 4 stars; one submission).

Conditions:
Perlman syndrome (PRLMNS). Identifiers: Orphanet 2849, MedGen C0796113, MONDO:0009965, OMIM 267000.

Submission:

Labcorp Genetics (formerly Invitae), Labcorp
Classification: Uncertain significance for Perlman syndrome. Last evaluated: 2021-04-30. Review status: criteria provided, single submitter. Criteria: Invitae Variant Classification Sherloc (09022015). Collection method: clinical testing. Allele origin: germline.
Comment: This sequence change replaces glycine with aspartic acid at codon 189 of the DIS3L2 protein (p.Gly189Asp). The glycine residue is weakly conserved and there is a moderate physicochemical difference between glycine and aspartic acid. In summary, the available evidence is currently insufficient to determine the role of this variant in disease. Therefore, it has been classified as a Variant of Uncertain Significance. Algorithms developed to predict the effect of missense changes on protein structure and function output the following: SIFT: "Tolerated"; PolyPhen-2: "Benign"; Align-GVGD: "Class C0". The aspartic acid amino acid residue is found in multiple mammalian species, suggesting that this missense change does not adversely affect protein function. These predictions have not been confirmed by published functional studies and their clinical significance is uncertain. This variant has not been reported in the literature in individuals with DIS3L2-related conditions. This variant is not present in population databases (ExAC no frequency).

NM_152383.5(DIS3L2):c.566G>A (p.Gly189Asp)

Gene: DIS3L2 (DIS3 like 3'-5' exoribonuclease 2; plus strand). Cytogenetic location: 2q37.1.
Variant type: single nucleotide variant.
Coding change: c.566G>A on transcript NM_152383.5 (MANE Select); coding-DNA position 566, G replaced by A.
Protein change: p.Gly189Asp; replaces glycine 189 with aspartic acid.
Molecular consequence: missense variant. On other transcripts: non-coding transcript variant (2).
Genome position (GRCh38, 1-based): chr2:232,087,686, G>A. VCF-style: chr2-232087686-G-A. GRCh37 (hg19) VCF-style: chr2-232952396-G-A.
Other names: c.566G>A, p.Gly189Asp (NM_001257281.2, NM_001257282.2); short protein forms G189D.
Identifiers: ClinVar variation 1364716 (VCV001364716.8), dbSNP rs755258805, ClinGen allele CA351155263.